The following is an entry in ClinVar:

NM_001037984.3(SLC38A10):c.2065+253G>A

Gene: SLC38A10 (solute carrier family 38 member 10; minus strand). Cytogenetic location: 17q25.3.
Variant type: single nucleotide variant.
Coding change: c.2065+253G>A on transcript NM_001037984.3 (MANE Select); 253 bases into the intron after coding-DNA position 2065, G replaced by A.
Molecular consequence: intron variant. On other transcripts: missense variant (1).
Genome position (GRCh38, 1-based): chr17:81,251,240, C>T on the plus strand (G>A on the coding strand, the complement: SLC38A10 is on the minus strand). VCF-style: chr17-81251240-C-T. GRCh37 (hg19) VCF-style: chr17-79225040-C-T.
Other names: c.2318G>A, p.Arg773His (NM_138570.4); short protein forms R773H.
Identifiers: ClinVar variation 3050225 (VCV003050225.2), dbSNP rs116990218, ClinGen allele CA8831680.

ClinVar aggregate classification (germline): Likely benign (0 of 4 stars; one submission).

Conditions:
SLC38A10-related disorder. Also called: SLC38A10-related condition.

Allele frequency attached by ClinVar (database versions not stated): ExAC 0.00201; gnomAD 0.00208; gnomAD exomes 0.00262; ESP Exome Variant Server 0.00635; 1000 Genomes Project 0.02955.

Submission:

PreventionGenetics, part of Exact Sciences
Classification: Likely benign for SLC38A10-related condition. Last evaluated: 2022-08-12. Review status: no assertion criteria provided. Collection method: clinical testing. Allele origin: germline.
Comment: This variant is classified as likely benign based on ACMG/AMP sequence variant interpretation guidelines (Richards et al. 2015 PMID: 25741868, with internal and published modifications).